The following is an entry in ClinVar:

NM_000133.4(F9):c.1381A>C (p.Thr461Pro)

Gene: F9 (coagulation factor IX; plus strand). Cytogenetic location: Xq27.1.
Variant type: single nucleotide variant.
Coding change: c.1381A>C on transcript NM_000133.4 (MANE Select); coding-DNA position 1381, A replaced by C.
Protein change: p.Thr461Pro; replaces threonine 461 with proline.
Molecular consequence: missense variant.
Genome position (GRCh38, 1-based): chrX:139,562,066, A>C. VCF-style: chrX-139562066-A-C. GRCh37 (hg19) VCF-style: chrX-138644225-A-C.
Other names: c.1267A>C, p.Thr423Pro (NM_001313913.2); short protein forms T461P, T423P.
Identifiers: ClinVar variation 368004 (VCV000368004.17), dbSNP rs4149751, ClinGen allele CA10529892.

ClinVar aggregate classification (germline): Benign/Likely benign. Review status: criteria provided, multiple submitters, no conflicts (2 of 4 stars). 5 submissions from 5 submitters: Benign (3); Likely benign (1). 1 of the submissions does not count toward it. Last evaluated 2026-01-24.

Conditions:
Hereditary factor IX deficiency disease (HEMB). Also called: F9 DEFICIENCY; FACTOR IX DEFICIENCY; PLASMA THROMBOPLASTIN COMPONENT DEFICIENCY; Hemophilia B; Christmas Disease. Identifiers: Orphanet 98879, MedGen C0008533, MeSH D002836, MONDO:0010604, OMIM 306900.
Thrombophilia, X-linked, due to factor 9 defect. Identifiers: MedGen C2749016, MONDO:0010432, OMIM 300807.

Allele frequency attached by ClinVar (database versions not stated): gnomAD exomes 0.00016 and 0.00037; ExAC 0.00050; ESP Exome Variant Server 0.00085; gnomAD 0.00128 and 0.00129; TOPMed 0.00139; 1000 Genomes Project 30x 0.00291; 1000 Genomes Project 0.00318.
gnomAD v4.1: 335 of 1,207,222 alleles (0.028%); highest among the groups gnomAD compares: African/African-American, 0.48%; 3 homozygotes.

Submissions (5):

Labcorp Genetics (formerly Invitae), Labcorp
Classification: Benign for Thrombophilia, X-linked, due to factor 9 defect; Hereditary factor IX deficiency disease. Last evaluated: 2026-01-24. Review status: criteria provided, single submitter. Criteria: Invitae Variant Classification Sherloc (09022015). Collection method: clinical testing. Allele origin: germline.

Blueprint Genetics
Classification: Likely benign. Last evaluated: 2024-09-02. Review status: criteria provided, single submitter. Criteria: ACMG Guidelines, 2015. Collection method: clinical testing. Allele origin: germline.

Illumina Laboratory Services, Illumina
Classification: Benign for Hereditary factor IX deficiency disease. Last evaluated: 2018-01-13. Review status: criteria provided, single submitter. Criteria: ICSL Variant Classification Criteria 13 December 2019. Collection method: clinical testing. Allele origin: germline.
Comment: This variant was observed in the ICSL laboratory as part of a predisposition screen in an ostensibly healthy population. It had not been previously curated by ICSL or reported in the Human Gene Mutation Database (HGMD: prior to June 1st, 2018), and was therefore a candidate for classification through an automated scoring system. Utilizing variant allele frequency, disease prevalence and penetrance estimates, and inheritance mode, an automated score was calculated to assess if this variant is too frequent to cause the disease. Based on the score and internal cut-off values, a variant classified as benign is not then subjected to further curation. The score for this variant resulted in a classification of benign for this disease.

Breakthrough Genomics
Classification: Benign. Review status: criteria provided, single submitter. Criteria: ACMG Guidelines, 2015. Collection method: not provided. Allele origin: germline. Inheritance: X-linked inheritance. Affected: yes.

Natera, Inc.
Classification: Benign for Hemophilia B. Last evaluated: 2020-09-16. Review status: no assertion criteria provided. Collection method: clinical testing. Allele origin: germline. Not counted in ClinVar's aggregate classification.